The following is an entry in ClinVar:

ClinVar aggregate classification (germline): Likely benign (1 of 4 stars; one submission).

Submission:

CeGaT Center for Human Genetics Tuebingen
Classification: Likely benign. Last evaluated: 2026-08-01. Review status: criteria provided, single submitter. Criteria: CeGaT Center For Human Genetics Tuebingen Variant Classification Criteria Version 2. Collection method: clinical testing. Allele origin: germline. Affected: yes. Observed: 7 variant alleles.
Comment: PPFIA1: PM2:Supporting, BP4, BP7

NM_003626.5(PPFIA1):c.1701T>A (p.Pro567=)

Gene: PPFIA1 (PPFI scaffold protein A1; plus strand). Cytogenetic location: 11q13.3.
Variant type: single nucleotide variant.
Coding change: c.1701T>A on transcript NM_003626.5 (MANE Select); coding-DNA position 1701, T replaced by A.
Protein change: p.Pro567=; no amino-acid change (proline 567 retained).
Molecular consequence: synonymous variant. On other transcripts: non-coding transcript variant (1).
Genome position (GRCh38, 1-based): chr11:70,339,300, T>A. VCF-style: chr11-70339300-T-A. GRCh37 (hg19) VCF-style: chr11-70185406-T-A.
Other names: c.1776T>A, p.Pro592= (NM_001378006.1); c.1701T>A, p.Pro567= (NM_177423.3).
Identifiers: ClinVar variation 2642055 (VCV002642055.24), dbSNP rs2055167207, ClinGen allele CA475243078.